The following is an entry in ClinVar:

ClinVar aggregate classification (germline): Conflicting classifications of pathogenicity. Review status: criteria provided, conflicting classifications (1 of 4 stars). 6 submissions from 6 submitters: Uncertain significance (2); Likely benign (3). 1 of the submissions does not count toward it. Last evaluated 2026-05-05.

Conditions:
Neutral lipid storage myopathy (NLSDM). Also called: NEUTRAL LIPID STORAGE DISEASE WITHOUT ICHTHYOSIS. Identifiers: Orphanet 98908, MedGen C1853136, MONDO:0012545, OMIM 610717.
PNPLA2-related disorder. Also called: PNPLA2-related condition.

Allele frequency attached by ClinVar (database versions not stated): 1000 Genomes Project 0.00080; 1000 Genomes Project 30x 0.00109; gnomAD exomes 0.00117 and 0.00199; gnomAD 0.00122; TOPMed 0.00141; ESP Exome Variant Server 0.00162; ExAC 0.00225.
gnomAD v4.1: 3,054 of 1,595,158 alleles (0.19%); highest among the groups gnomAD compares: Non-Finnish European, 0.23%; 6 homozygotes.

Submissions (6):

Women's Health and Genetics/Laboratory Corporation of America, LabCorp
Classification: Likely benign. Last evaluated: 2026-05-05. Review status: criteria provided, single submitter. Criteria: LabCorp Variant Classification Summary - May 2015. Collection method: clinical testing. Allele origin: germline.
Comment: Variant summary: PNPLA2 c.1277A>G (p.Asn426Ser) results in a conservative amino acid change in the encoded protein sequence. Algorithms developed to predict the effect of missense changes on protein structure and function all suggest that this variant is likely to be tolerated. The variant allele was found at a frequency of 0.0019 in 1595158 control chromosomes, predominantly at a frequency of 0.0023 within the Non-Finnish European subpopulation in the gnomAD database, including 6 homozygotes. To our knowledge, no occurrence of c.1277A>G in individuals affected with PNPLA2-related conditions and no experimental evidence demonstrating its impact on protein function have been reported. ClinVar contains an entry for this variant (Variation ID: 431910). Based on the evidence outlined above, the variant was classified as likely benign.

Labcorp Genetics (formerly Invitae), Labcorp
Classification: Likely benign for Neutral lipid storage myopathy. Last evaluated: 2026-02-02. Review status: criteria provided, single submitter. Criteria: Invitae Variant Classification Sherloc (09022015). Collection method: clinical testing. Allele origin: germline.

Blueprint Genetics
Classification: Likely benign. Last evaluated: 2024-11-27. Review status: criteria provided, single submitter. Criteria: ACMG Guidelines, 2015. Collection method: clinical testing. Allele origin: germline.

GeneDx
Classification: Uncertain significance. Last evaluated: 2017-05-31. Review status: criteria provided, single submitter. Criteria: GeneDx Variant Classification (06012015). Collection method: clinical testing. Allele origin: germline. Affected: yes.
Comment: The N426S variant in the variant in the PNPLA2 gene has been reported previously in the heterozygous state in a healthy individual at high risk for atherosclerosis; although functional studies noted that this variant results in a protein with reduced catalytic activity, the protein localizes correctly to lipid droplets (Coassin et al., 2010). The N426S variant is observed in 98/30436 (0.32%) alleles from individuals of non-Finnish European background in the ExAC dataset (Lek et al., 2016). The N426S variant is a conservative amino acid substitution, which is not likely to impact secondary protein structure as these residues share similar properties. Additionally, this substitution occurs at a position where amino acids with similar properties to Asparagine are tolerated across species and where Serine is observed in several species. In silico analysis predicts this variant likely does not alter the protein structure/function. We interpret N426S as a variant of uncertain significance.

Illumina Laboratory Services, Illumina
Classification: Uncertain significance for Neutral lipid storage myopathy. Last evaluated: 2017-04-27. Review status: criteria provided, single submitter. Criteria: ICSL Variant Classification Criteria 13 December 2019. Collection method: clinical testing. Allele origin: germline.
Comment: This variant was observed as part of a predisposition screen in an ostensibly healthy population. A literature search was performed for the gene, cDNA change, and amino acid change (where applicable). Publications were found based on this search. However, the evidence from the literature, in combination with allele frequency data from public databases where available, was not sufficient to rule this variant in or out of causing disease. Therefore, this variant is classified as a variant of unknown significance.

PreventionGenetics, part of Exact Sciences
Classification: Likely benign for PNPLA2-related condition. Last evaluated: 2024-05-24. Review status: no assertion criteria provided. Collection method: clinical testing. Allele origin: germline. Not counted in ClinVar's aggregate classification.
Comment: This variant is classified as likely benign based on ACMG/AMP sequence variant interpretation guidelines (Richards et al. 2015 PMID: 25741868, with internal and published modifications).

Literature cited by the submitters: PubMed 21170305 (cited by Illumina Laboratory Services, Illumina).

NM_020376.4(PNPLA2):c.1277A>G (p.Asn426Ser)

Gene: PNPLA2 (patatin like domain 2, triacylglycerol lipase; plus strand). Cytogenetic location: 11p15.5.
Variant type: single nucleotide variant.
Coding change: c.1277A>G on transcript NM_020376.4 (MANE Select); coding-DNA position 1277, A replaced by G.
Protein change: p.Asn426Ser; replaces asparagine 426 with serine.
Molecular consequence: missense variant.
Genome position (GRCh38, 1-based): chr11:824,624, A>G. VCF-style: chr11-824624-A-G. GRCh37 (hg19) VCF-style: chr11-824624-A-G.
Other names: short protein forms N426S.
Identifiers: ClinVar variation 431910 (VCV000431910.19), dbSNP rs140634178, ClinGen allele CA5791354.